The following is an entry in ClinVar:

NM_000059.4(BRCA2):c.2100dup (p.Phe701fs)

Gene: BRCA2 (BRCA2 DNA repair associated; plus strand). Cytogenetic location: 13q13.1.
Variant type: Duplication.
Coding change: c.2100dup on transcript NM_000059.4 (MANE Select); coding-DNA position 2100, one base duplicated (A; older notation c.2100dupA).
Protein change: p.Phe701fs; shifts the reading frame from phenylalanine 701.
Molecular consequence: frameshift variant. On other transcripts: non-coding transcript variant (1), intron variant (2).
Genome position (GRCh38, 1-based): chr13:32,336,455, A duplicated. VCF-style (leftmost placement, unchanged base first): chr13-32336454-T-TA. GRCh37 (hg19) VCF-style: chr13-32910591-T-TA.
Other names: c.2100dup, p.Phe701fs (NM_001406719.1, NM_001406720.1, NM_001432077.1); c.1909+3068dup (NM_001406721.1); c.424+5425dup (NM_001406722.1); short protein forms F701fs.
Identifiers: ClinVar variation 4294242 (VCV004294242.1).
Genomic context (GRCh38, chr13:32,336,454, plus strand): 5'-CAGTAATCTCTCAGGATCTTGATTATAAAGAAGCAAAATGTAATAAGGAAAAACTACAGT[T>TA]ATTTATTACCCCAGAAGCTGATTCTCTGTCATGCCTGCAGGAAGGACAGTGTGAAAATGA-3'

ClinVar aggregate classification (germline): Pathogenic (1 of 4 stars; one submission).

Conditions:
Breast-ovarian cancer, familial, susceptibility to, 2 (BROVCA2). Also called: BRCA2 Hereditary Breast and Ovarian Cancer. Identifiers: Orphanet 145, MedGen C2675520, MONDO:0012933, OMIM 612555. Disease mechanism: loss of function.

Submission:

Myriad Genetics, Inc.
Classification: Pathogenic for Breast-ovarian cancer, familial, susceptibility to, 2. Last evaluated: 2025-09-04. Review status: criteria provided, single submitter. Criteria: Myriad Autosomal Dominant, Autosomal Recessive and X-Linked Classification Criteria (2023). Collection method: clinical testing. Allele origin: unknown.
Comment: This variant is considered pathogenic. This variant creates a frameshift predicted to result in premature protein truncation.